The following is an entry in ClinVar:

ClinVar aggregate classification (germline): Uncertain significance. Review status: criteria provided, multiple submitters, no conflicts (2 of 4 stars). 4 submissions from 4 submitters: Uncertain significance (4). Last evaluated 2025-05-29.

Conditions:
Hypertrophic cardiomyopathy 15. Identifiers: MedGen C2750459, MONDO:0013200, OMIM 613255.
Dilated cardiomyopathy 1W (CMD1W). Identifiers: Orphanet 154, MedGen C1969639, MONDO:0012667, OMIM 611407.
Cardiovascular phenotype. Identifiers: MedGen CN230736.

Allele frequency attached by ClinVar (database versions not stated): gnomAD exomes below 0.00001; gnomAD 0.00001; TOPMed 0.00001.
gnomAD v4.1: 2 of 1,614,044 alleles (0.00012%); highest among the groups gnomAD compares: African/African-American, 0.0027%; no homozygotes.

Submissions (4):

Labcorp Genetics (formerly Invitae), Labcorp
Classification: Uncertain significance for Dilated cardiomyopathy 1W. Last evaluated: 2025-05-29. Review status: criteria provided, single submitter. Criteria: Invitae Variant Classification Sherloc (09022015). Collection method: clinical testing. Allele origin: germline.
Comment: This sequence change replaces glycine, which is neutral and non-polar, with aspartic acid, which is acidic and polar, at codon 410 of the VCL protein (p.Gly410Asp). This variant is present in population databases (no rsID available, gnomAD 0.008%). This variant has not been reported in the literature in individuals affected with VCL-related conditions. ClinVar contains an entry for this variant (Variation ID: 423740). An algorithm developed to predict the effect of missense changes on protein structure and function (PolyPhen-2) suggests that this variant is likely to be disruptive. In summary, the available evidence is currently insufficient to determine the role of this variant in disease. Therefore, it has been classified as a Variant of Uncertain Significance.

Ambry Genetics
Classification: Uncertain significance for Cardiovascular phenotype. Last evaluated: 2022-01-05. Review status: criteria provided, single submitter. Criteria: Ambry Variant Classification Scheme 2023. Collection method: clinical testing. Allele origin: germline.

Department of Pathology and Laboratory Medicine, Sinai Health System
Classification: Uncertain significance for Dilated cardiomyopathy 1W; Hypertrophic cardiomyopathy 15. Last evaluated: 2021-07-30. Review status: criteria provided, single submitter. Criteria: ACMG Guidelines, 2015. Collection method: research. Allele origin: germline.

GeneDx
Classification: Uncertain significance. Last evaluated: 2017-02-16. Review status: criteria provided, single submitter. Criteria: GeneDx Variant Classification (06012015). Collection method: clinical testing. Allele origin: germline. Affected: yes.
Comment: A variant of uncertain significance has been identified in the VCL gene. The G410D variant has not been published as pathogenic or been reported as benign to our knowledge. G410D is not observed in large population cohorts (Lek et al., 2016; 1000 Genomes Consortium et al., 2015; Exome Variant Server). The G410D variant is a non-conservative amino acid substitution, which is likely to impact secondary protein structure as these residues differ in polarity, charge, size and/or other properties. However, this substitution occurs at a position where amino acids with similar properties to glycine are tolerated across species. In silico analysis is inconsistent in its predictions as to whether or not the variant is damaging to the protein structure/function.

NM_014000.3(VCL):c.1229G>A (p.Gly410Asp)

Gene: VCL (vinculin; plus strand). Cytogenetic location: 10q22.2.
Variant type: single nucleotide variant.
Coding change: c.1229G>A on transcript NM_014000.3 (MANE Select); coding-DNA position 1229, G replaced by A.
Protein change: p.Gly410Asp; replaces glycine 410 with aspartic acid.
Molecular consequence: missense variant.
Genome position (GRCh38, 1-based): chr10:74,090,075, G>A. VCF-style: chr10-74090075-G-A. GRCh37 (hg19) VCF-style: chr10-75849833-G-A.
Other names: c.1229G>A, p.Gly410Asp (NM_003373.4); short protein forms G410D.
Identifiers: ClinVar variation 423740 (VCV000423740.10), dbSNP rs1064796607, ClinGen allele CA16618986.